The following is an entry in ClinVar:

NM_025179.4(PLXNA2):c.558G>A (p.Thr186=)

Gene: PLXNA2 (plexin A2; minus strand). Cytogenetic location: 1q32.2.
Variant type: single nucleotide variant.
Coding change: c.558G>A on transcript NM_025179.4 (MANE Select); coding-DNA position 558, G replaced by A.
Protein change: p.Thr186=; no amino-acid change (threonine 186 retained).
Molecular consequence: synonymous variant.
Genome position (GRCh38, 1-based): chr1:208,217,365, C>T on the plus strand (G>A on the coding strand, the complement: PLXNA2 is on the minus strand). VCF-style: chr1-208217365-C-T. GRCh37 (hg19) VCF-style: chr1-208390710-C-T.
Other names: c.558G>A (NM_025179.3).
Identifiers: ClinVar variation 1410603 (VCV001410603.7), dbSNP rs781190881, ClinGen allele CA1374055.

ClinVar aggregate classification (germline): Likely benign. Review status: criteria provided, single submitter (1 of 4 stars). 2 submissions from 2 submitters: Likely benign (1). 1 of the submissions does not count toward it. Last evaluated 2024-11-06.

Conditions:
PLXNA2-related disorder. Also called: PLXNA2-related condition.

Allele frequency attached by ClinVar (database versions not stated): gnomAD 0.00001; TOPMed 0.00003; ExAC 0.00006; gnomAD exomes 0.00007.
gnomAD v4.1: 53 of 1,614,034 alleles (0.0033%); highest among the groups gnomAD compares: Admixed American, 0.018%; no homozygotes.

Submissions (2):

Labcorp Genetics (formerly Invitae), Labcorp
Classification: Likely benign. Last evaluated: 2024-11-06. Review status: criteria provided, single submitter. Criteria: Invitae Variant Classification Sherloc (09022015). Collection method: clinical testing. Allele origin: germline.

PreventionGenetics, part of Exact Sciences
Classification: Likely benign for PLXNA2-related condition. Last evaluated: 2024-03-13. Review status: no assertion criteria provided. Collection method: clinical testing. Allele origin: germline. Not counted in ClinVar's aggregate classification.
Comment: This variant is classified as likely benign based on ACMG/AMP sequence variant interpretation guidelines (Richards et al. 2015 PMID: 25741868, with internal and published modifications).